The following is an entry in ClinVar:

NM_021913.5(AXL):c.995-6C>T

Gene: AXL (AXL receptor tyrosine kinase; plus strand). Cytogenetic location: 19q13.2.
Variant type: single nucleotide variant.
Coding change: c.995-6C>T on transcript NM_021913.5 (MANE Select); 6 bases into the intron before coding-DNA position 995, C replaced by T.
Molecular consequence: intron variant.
Genome position (GRCh38, 1-based): chr19:41,238,464, C>T. VCF-style: chr19-41238464-C-T. GRCh37 (hg19) VCF-style: chr19-41744369-C-T.
Other names: c.995-6C>T (NM_001699.6); c.191-6C>T (NM_001278599.2).
Identifiers: ClinVar variation 2573606 (VCV002573606.1), dbSNP rs2516411401, ClinGen allele CA2580614901.

ClinVar aggregate classification (germline): Uncertain significance (1 of 4 stars; one submission).

Allele frequency attached by ClinVar (database versions not stated): gnomAD exomes below 0.00001.
gnomAD v4.1: 2 of 1,607,652 alleles (0.00012%); highest among the groups gnomAD compares: African/African-American, 0.0027%; no homozygotes.

Submission:

Women's Health and Genetics/Laboratory Corporation of America, LabCorp
Classification: Uncertain significance. Last evaluated: 2023-06-20. Review status: criteria provided, single submitter. Criteria: LabCorp Variant Classification Summary - May 2015. Collection method: clinical testing. Allele origin: germline.
Comment: Variant summary: AXL c.995-6C>T alters a non-conserved nucleotide located close to a canonical splice site and therefore could affect mRNA splicing, leading to a significantly altered protein sequence. 4/4 computational tools predict no significant impact on normal splicing. However, these predictions have yet to be confirmed by functional studies. The variant was absent in 249588 control chromosomes (gnomAD). The available data on variant occurrences in the general population are insufficient to allow any conclusion about variant significance. To our knowledge, no occurrence of c.995-6C>T in individuals affected with Hypogonadotropic Hypogonadism 7 With Or Without Anosmia and no experimental evidence demonstrating its impact on protein function have been reported. No submitters have cited clinical-significance assessments for this variant to ClinVar after 2014. Based on the evidence outlined above, the variant was classified as uncertain significance.